The following is an entry in ClinVar:

NM_033310.3(KCNK4):c.801+6C>T

Genes: KCNK4 (potassium two pore domain channel subfamily K member 4; plus strand), KCNK4-CATSPERZ (KCNK4-CATSPERZ readthrough (NMD candidate); plus strand). Cytogenetic location: 11q13.1.
Variant type: single nucleotide variant.
Coding change: c.801+6C>T on transcript NM_033310.3 (MANE Select); 6 bases into the intron after coding-DNA position 801, C replaced by T.
Molecular consequence: intron variant.
Genome position (GRCh38, 1-based): chr11:64,298,255, C>T. VCF-style: chr11-64298255-C-T. GRCh37 (hg19) VCF-style: chr11-64065727-C-T.
Other names: c.801+6C>T (NM_001317090.2).
Identifiers: ClinVar variation 2074612 (VCV002074612.4), dbSNP rs762574226, ClinGen allele CA6073177.

ClinVar aggregate classification (germline): Uncertain significance (1 of 4 stars; one submission).

Allele frequency attached by ClinVar (database versions not stated): gnomAD 0.00001; gnomAD exomes 0.00002; TOPMed 0.00002; ExAC 0.00004.

Submission:

Labcorp Genetics (formerly Invitae), Labcorp
Classification: Uncertain significance. Last evaluated: 2025-05-19. Review status: criteria provided, single submitter. Criteria: Invitae Variant Classification Sherloc (09022015). Collection method: clinical testing. Allele origin: germline.
Comment: This sequence change falls in intron 6 of the KCNK4 gene. It does not directly change the encoded amino acid sequence of the KCNK4 protein. It affects a nucleotide within the consensus splice site. This variant is present in population databases (rs762574226, gnomAD 0.006%). This variant has not been reported in the literature in individuals affected with KCNK4-related conditions. ClinVar contains an entry for this variant (Variation ID: 2074612). Variants that disrupt the consensus splice site are a relatively common cause of aberrant splicing (PMID: 17576681, 9536098). Algorithms developed to predict the effect of sequence changes on RNA splicing suggest that this variant is not likely to affect RNA splicing. In summary, the available evidence is currently insufficient to determine the role of this variant in disease. Therefore, it has been classified as a Variant of Uncertain Significance.

Literature cited by the submitters: PubMed 17576681; PubMed 9536098.